The following is an entry in ClinVar:

NM_004168.4(SDHA):c.1225A>C (p.Asn409His)

Gene: SDHA (succinate dehydrogenase complex flavoprotein subunit A; plus strand). Cytogenetic location: 5p15.33.
Variant type: single nucleotide variant.
Coding change: c.1225A>C on transcript NM_004168.4 (MANE Select); coding-DNA position 1225, A replaced by C.
Protein change: p.Asn409His; replaces asparagine 409 with histidine.
Molecular consequence: missense variant.
Genome position (GRCh38, 1-based): chr5:235,304, A>C. VCF-style: chr5-235304-A-C. GRCh37 (hg19) VCF-style: chr5-235419-A-C.
Other names: c.1081A>C, p.Asn361His (NM_001294332.2); c.1225A>C, p.Asn409His (NM_001330758.2); short protein forms N409H, N361H.
Identifiers: ClinVar variation 472309 (VCV000472309.14), dbSNP rs1404377989, ClinGen allele CA359013704.

ClinVar aggregate classification (germline): Uncertain significance. Review status: criteria provided, multiple submitters, no conflicts (2 of 4 stars). 2 submissions from 2 submitters: Uncertain significance (2). Last evaluated 2025-08-26.

Conditions:
Hereditary cancer-predisposing syndrome. Also called: Neoplastic Syndromes, Hereditary; Hereditary Cancer Syndrome; Hereditary neoplastic syndrome; Tumor predisposition. Identifiers: Orphanet 140162, MedGen C0027672, MeSH D009386, MONDO:0015356.
Mitochondrial complex II deficiency, nuclear type 1. Also called: SUCCINATE CoQ REDUCTASE DEFICIENCY. Identifiers: Orphanet 3208, MedGen C5700310, MONDO:0100294, OMIM 252011.
Pheochromocytoma/paraganglioma syndrome 5. Also called: Paragangliomas 5; SDHA-Related Hereditary Paraganglioma-Pheochromocytoma Syndrome. Identifiers: Orphanet 29072, MedGen C3279992, MONDO:0013602, OMIM 614165.

Allele frequency attached by ClinVar (database versions not stated): gnomAD exomes below 0.00001; gnomAD 0.00001.
gnomAD v4.1: 8 of 1,614,066 alleles (0.0005%); highest among the groups gnomAD compares: Non-Finnish European, 0.00068%; no homozygotes.

Submissions (2):

Labcorp Genetics (formerly Invitae), Labcorp
Classification: Uncertain significance for Pheochromocytoma/paraganglioma syndrome 5; Mitochondrial complex II deficiency, nuclear type 1. Last evaluated: 2025-08-26. Review status: criteria provided, single submitter. Criteria: Invitae Variant Classification Sherloc (09022015). Collection method: clinical testing. Allele origin: germline.
Comment: This sequence change replaces asparagine, which is neutral and polar, with histidine, which is basic and polar, at codon 409 of the SDHA protein (p.Asn409His). This variant is present in population databases (no rsID available, gnomAD 0.0009%). This variant has not been reported in the literature in individuals affected with SDHA-related conditions. ClinVar contains an entry for this variant (Variation ID: 472309). Invitae Evidence Modeling of protein sequence and biophysical properties (such as structural, functional, and spatial information, amino acid conservation, physicochemical variation, residue mobility, and thermodynamic stability) has been performed for this missense variant. However, the output from this modeling did not meet the statistical confidence thresholds required to predict the impact of this variant on SDHA protein function. In summary, the available evidence is currently insufficient to determine the role of this variant in disease. Therefore, it has been classified as a Variant of Uncertain Significance.

Ambry Genetics
Classification: Uncertain significance for Hereditary cancer-predisposing syndrome. Last evaluated: 2024-03-25. Review status: criteria provided, single submitter. Criteria: Ambry Variant Classification Scheme 2023. Collection method: clinical testing. Allele origin: germline.
Comment: The p.N409H variant (also known as c.1225A>C), located in coding exon 9 of the SDHA gene, results from an A to C substitution at nucleotide position 1225. The asparagine at codon 409 is replaced by histidine, an amino acid with similar properties. This amino acid position is highly conserved in available vertebrate species. In addition, the in silico prediction for this alteration is inconclusive. Since supporting evidence is limited at this time, the clinical significance of this alteration remains unclear.